The following is an entry in ClinVar:

NM_001376.5(DYNC1H1):c.8214C>T (p.Tyr2738=)

Gene: DYNC1H1 (dynein cytoplasmic 1 heavy chain 1; plus strand). Cytogenetic location: 14q32.31.
Variant type: single nucleotide variant.
Coding change: c.8214C>T on transcript NM_001376.5 (MANE Select); coding-DNA position 8214, C replaced by T.
Protein change: p.Tyr2738=; no amino-acid change (tyrosine 2738 retained).
Molecular consequence: synonymous variant.
Genome position (GRCh38, 1-based): chr14:102,018,487, C>T. VCF-style: chr14-102018487-C-T. GRCh37 (hg19) VCF-style: chr14-102484824-C-T.
Identifiers: ClinVar variation 2644567 (VCV002644567.24), dbSNP rs2503777302, ClinGen allele CA487964325.
Genomic context (GRCh38, chr14:102,018,487, plus strand): 5'-CTGAGCGGGGCTATCTGTGCACAGGTTCCTGCGCCACGTGCCTGTCGTGTATGTGGATTA[C>T]CCGGGCCCCGCCTCCCTCACACAGATCTACGGCACCTTCAACCGCGCCATGCTGAGGCTC-3'
Protein context (NP_001367.2, residues 2728-2748): LRHVPVVYVD[Tyr2738=]PGPASLTQIY

ClinVar aggregate classification (germline): Likely benign (1 of 4 stars; one submission).

Allele frequency attached by ClinVar (database versions not stated): gnomAD exomes below 0.00001.
gnomAD v4.1: 1 of 1,613,928 alleles (0.000062%); highest among the groups gnomAD compares: Middle Eastern, 0.016%; no homozygotes.

Submission:

CeGaT Center for Human Genetics Tuebingen
Classification: Likely benign. Last evaluated: 2024-01-01. Review status: criteria provided, single submitter. Criteria: CeGaT Center For Human Genetics Tuebingen Variant Classification Criteria Version 2. Collection method: clinical testing. Allele origin: germline. Affected: yes. Observed: 2 variant alleles.
Comment: DYNC1H1: PM2:Supporting, BP4, BP7